The following is an entry in ClinVar:

NM_001384140.1(PCDH15):c.1075C>T (p.Gln359Ter)

Gene: PCDH15 (protocadherin related 15; minus strand). Cytogenetic location: 10q21.1.
Variant type: single nucleotide variant.
Coding change: c.1075C>T on transcript NM_001384140.1 (MANE Select); coding-DNA position 1075, C replaced by T.
Protein change: p.Gln359Ter; replaces glutamine 359 with a stop codon.
Molecular consequence: nonsense.
Genome position (GRCh38, 1-based): chr10:54,213,959, G>A on the plus strand (C>T on the coding strand, the complement: PCDH15 is on the minus strand). VCF-style: chr10-54213959-G-A. GRCh37 (hg19) VCF-style: chr10-55973719-G-A.
Other names: c.1090C>T, p.Gln364Ter (NM_001142763.2, NM_001142769.4, NM_001142771.2); c.1075C>T, p.Gln359Ter (NM_001142764.2, NM_001142765.2, NM_001142766.2 and 7 more transcripts); c.964C>T, p.Gln322Ter (NM_001142767.2); c.1009C>T, p.Gln337Ter (NM_001142768.2, NM_001142773.2, NM_001354404.2); short protein forms Q322*, Q337*, Q364*, Q359*.
Identifiers: ClinVar variation 969009 (VCV000969009.13), dbSNP rs2051720336, ClinGen allele CA376523469.
Genomic context (GRCh38, chr10:54,213,959, plus strand): 5'-CATAAACACAAGGAAATAAGATATTAGCTTAATTTACCTTAATAACCAAATCAAATTTCT[G>A]GTGAAAGTCTCTGTTTACTGGCTCCAGGAGACTAAGTTCTGCTGTCCTAGGATGCATATG-3'

ClinVar aggregate classification (germline): Pathogenic/Likely pathogenic. Review status: criteria provided, multiple submitters, no conflicts (2 of 4 stars). 4 submissions from 4 submitters: Pathogenic (1); Likely pathogenic (3). Last evaluated 2025-02-20.

Conditions:
PCDH15-related disorder. Also called: PCDH15-related condition; PCDH15-related disorders.
Usher syndrome type 1F (USH1F). Also called: USHER SYNDROME, TYPE IF. Identifiers: Orphanet 231169, Orphanet 886, MedGen C1865885, MONDO:0011186, OMIM 602083.
Autosomal recessive nonsyndromic hearing loss 23. Identifiers: Orphanet 90636, MedGen C1836027, MONDO:0012293, OMIM 609533.

Allele frequency attached by ClinVar (database versions not stated): TOPMed below 0.00001.

Submissions (4):

Natera, Inc.
Classification: Likely pathogenic for Usher syndrome type 1F. Last evaluated: 2025-02-20. Review status: criteria provided, single submitter. Criteria: Natera Variant Classification Schema (03/2026). Collection method: clinical testing. Allele origin: germline.
Comment: The c.1075C>T variant in PCDH15 is a nonsense variant predicted to introduce a stop codon at amino acid 359. This variant is expected to result in nonsense mediated decay, truncation, or a dysfunctional protein product. This variant is rare in the general population with a frequency below the threshold expected for the associated phenotype(s). Given the available evidence, this variant is classified as Likely Pathogenic.

Labcorp Genetics (formerly Invitae), Labcorp
Classification: Pathogenic. Last evaluated: 2023-12-21. Review status: criteria provided, single submitter. Criteria: Invitae Variant Classification Sherloc (09022015). Collection method: clinical testing. Allele origin: germline.
Comment: This sequence change creates a premature translational stop signal (p.Gln359*) in the PCDH15 gene. It is expected to result in an absent or disrupted protein product. Loss-of-function variants in PCDH15 are known to be pathogenic (PMID: 11398101, 11487575, 14570705). This variant is not present in population databases (gnomAD no frequency). This variant has not been reported in the literature in individuals affected with PCDH15-related conditions. ClinVar contains an entry for this variant (Variation ID: 969009). For these reasons, this variant has been classified as Pathogenic.

MGZ Medical Genetics Center
Classification: Likely pathogenic for Autosomal recessive nonsyndromic hearing loss 23. Last evaluated: 2022-06-10. Review status: criteria provided, single submitter. Criteria: ACMG Guidelines, 2015. Collection method: clinical testing. Allele origin: germline. Affected: yes. Observed: 1 variant allele.
Comment: ACMG criteria applied: PVS1, PM2_SUP

Blueprint Genetics
Classification: Likely pathogenic for PCDH15-related disorders. Last evaluated: 2021-12-24. Review status: criteria provided, single submitter. Criteria: ACMG Guidelines, 2015. Collection method: clinical testing. Allele origin: germline. Affected: yes. Observed: 1 variant allele.

Literature cited by the submitters: PubMed 11398101 (cited by Labcorp Genetics (formerly Invitae), Labcorp); PubMed 11487575 (cited by Labcorp Genetics (formerly Invitae), Labcorp); PubMed 14570705 (cited by Labcorp Genetics (formerly Invitae), Labcorp).